The following is an entry in ClinVar:

ClinVar aggregate classification (germline): Benign. Review status: criteria provided, single submitter (1 of 4 stars). 2 submissions from 2 submitters: Benign (1). 1 of the submissions does not count toward it. Last evaluated 2025-05-23.

Conditions:
TRRAP-related disorder. Also called: TRRAP-related condition.

Allele frequency attached by ClinVar (database versions not stated): gnomAD exomes below 0.00001; TOPMed 0.00002; gnomAD 0.00003; 1000 Genomes Project 0.00020; 1000 Genomes Project 30x 0.00016; ExAC 0.00002.
gnomAD v4.1: 9 of 1,613,970 alleles (0.00056%); highest among the groups gnomAD compares: East Asian, 0.018%; no homozygotes.

Submissions (2):

Labcorp Genetics (formerly Invitae), Labcorp
Classification: Benign. Last evaluated: 2025-05-23. Review status: criteria provided, single submitter. Criteria: Invitae Variant Classification Sherloc (09022015). Collection method: clinical testing. Allele origin: germline.

PreventionGenetics, part of Exact Sciences
Classification: Likely benign for TRRAP-related condition. Last evaluated: 2023-05-22. Review status: no assertion criteria provided. Collection method: clinical testing. Allele origin: germline. Not counted in ClinVar's aggregate classification.
Comment: This variant is classified as likely benign based on ACMG/AMP sequence variant interpretation guidelines (Richards et al. 2015 PMID: 25741868, with internal and published modifications).

NM_001375524.1(TRRAP):c.6977-4G>A

Gene: TRRAP (transformation/transcription domain associated protein; plus strand). Cytogenetic location: 7q22.1.
Variant type: single nucleotide variant.
Coding change: c.6977-4G>A on transcript NM_001375524.1 (MANE Select); 4 bases into the intron before coding-DNA position 6977, G replaced by A.
Molecular consequence: intron variant.
Genome position (GRCh38, 1-based): chr7:98,965,692, G>A. VCF-style: chr7-98965692-G-A. GRCh37 (hg19) VCF-style: chr7-98563315-G-A.
Other names: c.6902-4G>A (NM_003496.3, NM_003496.4); c.6956-4G>A (NM_001244580.2).
Identifiers: ClinVar variation 2791943 (VCV002791943.5), dbSNP rs185310254, ClinGen allele CA4361044.